The following is an entry in ClinVar:

NM_032409.3(PINK1):c.1153T>C (p.Phe385Leu)

Genes: PINK1 (PTEN induced kinase 1; plus strand), PINK1-AS (PINK1 antisense RNA; minus strand). Cytogenetic location: 1p36.12.
Variant type: single nucleotide variant.
Coding change: c.1153T>C on transcript NM_032409.3 (MANE Select); coding-DNA position 1153, T replaced by C.
Protein change: p.Phe385Leu; replaces phenylalanine 385 with leucine.
Molecular consequence: missense variant. On other transcripts: non-coding transcript variant (1).
Genome position (GRCh38, 1-based): chr1:20,648,534, T>C. VCF-style: chr1-20648534-T-C. GRCh37 (hg19) VCF-style: chr1-20975027-T-C.
Other names: short protein forms F385L.
Identifiers: ClinVar variation 546594 (VCV000546594.48), dbSNP rs763416852, ClinGen allele CA660722.

ClinVar aggregate classification (germline): Uncertain significance. Review status: criteria provided, multiple submitters, no conflicts (2 of 4 stars). 3 submissions from 3 submitters: Uncertain significance (3). Last evaluated 2026-07-01.

Conditions:
Autosomal recessive early-onset Parkinson disease 6 (PARK6). Also called: PARKINSON DISEASE 6, EARLY-ONSET; PINK1-Related Parkinson Disease; PINK1 Type of Young-Onset Parkinson Disease; PARKINSON DISEASE 6, MODIFIER OF. Identifiers: Orphanet 2828, MedGen C1853833, MONDO:0011613, OMIM 605909.

Allele frequency attached by ClinVar (database versions not stated): TOPMed 0.00001; gnomAD exomes 0.00002 and 0.00004; ExAC 0.00006.
gnomAD v4.1: 36 of 1,614,000 alleles (0.0022%); highest among the groups gnomAD compares: Middle Eastern, 0.066%; no homozygotes.

Submissions (3):

CeGaT Center for Human Genetics Tuebingen
Classification: Uncertain significance. Last evaluated: 2026-07-01. Review status: criteria provided, single submitter. Criteria: CeGaT Center For Human Genetics Tuebingen Variant Classification Criteria Version 2. Collection method: clinical testing. Allele origin: germline. Affected: yes. Observed: 2 variant alleles.
Comment: PINK1: PM2, PM5, PP3

Genomic Medicine Center of Excellence, King Faisal Specialist Hospital and Research Centre
Classification: Uncertain significance for Autosomal recessive early-onset Parkinson disease 6. Last evaluated: 2024-09-22. Review status: criteria provided, single submitter. Criteria: ACMG Guidelines, 2015. Collection method: clinical testing. Allele origin: germline.

Labcorp Genetics (formerly Invitae), Labcorp
Classification: Uncertain significance for Autosomal recessive early-onset Parkinson disease 6. Last evaluated: 2024-04-25. Review status: criteria provided, single submitter. Criteria: Invitae Variant Classification Sherloc (09022015). Collection method: clinical testing. Allele origin: germline.
Comment: This sequence change replaces phenylalanine, which is neutral and non-polar, with leucine, which is neutral and non-polar, at codon 385 of the PINK1 protein (p.Phe385Leu). This variant is present in population databases (rs763416852, gnomAD 0.03%). This missense change has been observed in individual(s) with Parkinson disease and/or neuroblaastoma (PMID: 18704525). ClinVar contains an entry for this variant (Variation ID: 546594). Advanced modeling of protein sequence and biophysical properties (such as structural, functional, and spatial information, amino acid conservation, physicochemical variation, residue mobility, and thermodynamic stability) performed at Invitae indicates that this missense variant is expected to disrupt PINK1 protein function with a positive predictive value of 80%. In summary, the available evidence is currently insufficient to determine the role of this variant in disease. Therefore, it has been classified as a Variant of Uncertain Significance.

Literature cited by the submitters: PubMed 18704525 (cited by Labcorp Genetics (formerly Invitae), Labcorp).